The following is an entry in ClinVar:

NM_006185.4(NUMA1):c.981G>A (p.Leu327=)

Genes: NUMA1 (nuclear mitotic apparatus protein 1; minus strand), NUMA1-AS1 (NUMA1 antisense RNA 1; plus strand). Cytogenetic location: 11q13.4.
Variant type: single nucleotide variant.
Coding change: c.981G>A on transcript NM_006185.4 (MANE Select); coding-DNA position 981, G replaced by A.
Protein change: p.Leu327=; no amino-acid change (leucine 327 retained).
Molecular consequence: synonymous variant. On other transcripts: non-coding transcript variant (1).
Genome position (GRCh38, 1-based): chr11:72,017,825, C>T on the plus strand (G>A on the coding strand, the complement: NUMA1 is on the minus strand). VCF-style: chr11-72017825-C-T. GRCh37 (hg19) VCF-style: chr11-71728871-C-T.
Other names: c.981G>A, p.Leu327= (NM_001286561.2).
Identifiers: ClinVar variation 716672 (VCV000716672.17), dbSNP rs143260427, ClinGen allele CA6167743.

ClinVar aggregate classification (germline): Likely benign. Review status: criteria provided, multiple submitters, no conflicts (2 of 4 stars). 2 submissions from 2 submitters: Likely benign (2). Last evaluated 2024-11-01.

Allele frequency attached by ClinVar (database versions not stated): ESP Exome Variant Server 0.00046; ExAC 0.00051; gnomAD 0.00051 and 0.00056; gnomAD exomes 0.00053 and 0.00058; TOPMed 0.00063; 1000 Genomes Project 0.00200; 1000 Genomes Project 30x 0.00219.
gnomAD v4.1: 849 of 1,597,114 alleles (0.053%); highest among the groups gnomAD compares: Admixed American, 0.19%; 2 homozygotes.

Submissions (2):

CeGaT Center for Human Genetics Tuebingen
Classification: Likely benign. Last evaluated: 2024-11-01. Review status: criteria provided, single submitter. Criteria: CeGaT Center For Human Genetics Tuebingen Variant Classification Criteria Version 2. Collection method: clinical testing. Allele origin: germline. Affected: yes. Observed: 1 variant allele.
Comment: NUMA1: BP4, BP7

Labcorp Genetics (formerly Invitae), Labcorp
Classification: Likely benign. Last evaluated: 2018-05-28. Review status: criteria provided, single submitter. Criteria: Invitae Variant Classification Sherloc (09022015). Collection method: clinical testing. Allele origin: germline.